The following is an entry in ClinVar:

ClinVar aggregate classification (germline): Pathogenic (1 of 4 stars; one submission).

Conditions:
Anauxetic dysplasia. Identifiers: Orphanet 93347, MedGen C1846796, MONDO:0011773.

Submission:

Labcorp Genetics (formerly Invitae), Labcorp
Classification: Pathogenic for Anauxetic dysplasia. Last evaluated: 2023-03-12. Review status: criteria provided, single submitter. Criteria: Invitae Variant Classification Sherloc (09022015). Collection method: clinical testing. Allele origin: germline.
Comment: This variant occurs in the RMRP gene, which encodes an RNA molecule that does not result in a protein product. This variant is not present in population databases (gnomAD no frequency). While this particular variant has not been reported in the literature, it is located in the promoter region between the TATA box and the transcription initiation site, and other insertions and duplications immediately upstream of the coding sequence have been reported in individuals affected with cartilage-hair hypoplasia-anauxetic dysplasia (CHH-AD) spectrum disorders (PMID: 16244706, 11207361, 12107819). While functional studies for this variant have not been reported, experimental analyses using patient derived cells, as well as in vitro transfection studies, have shown that promoter insertions result in silencing of RMRP transcription and reduced expression of the gene product (PMID: 11207361, 16254002). For these reasons, this variant has been classified as Pathogenic.

Literature cited by the submitters: PubMed 16244706; PubMed 11207361; PubMed 12107819; PubMed 16254002.

NC_000009.12:g.35658022_35658033dup

Gene: RMRP (RNA component of mitochondrial RNA processing endoribonuclease; minus strand). Cytogenetic location: 9p13.3.
Variant type: Duplication.
Genome position: GRCh38 VCF-style: chr9-35658021-G-GTCCTCAGCTTCA. GRCh37 (hg19) VCF-style: chr9-35658018-G-GTCCTCAGCTTCA.
Identifiers: ClinVar variation 2845038 (VCV002845038.3), dbSNP rs2490603242, ClinGen allele CA2739269240.
Genomic context (GRCh38, chr9:35,658,021, plus strand): 5'-AAGGGGAGGAACAGAGTCCTCAGTGTGTAGCCTAGGATACAGGCCTTCAGCACGAACCAC[G>GTCCTCAGCTTCA]TCCTCAGCTTCACAGAGTAGTATTTTATAGCCCTAAAGAAATTGTGTTTTATGATTAGGG-3'